The following is an entry in ClinVar:

ClinVar aggregate classification (germline): Uncertain significance. Review status: criteria provided, multiple submitters, no conflicts (2 of 4 stars). 3 submissions from 3 submitters: Uncertain significance (3). Last evaluated 2024-10-30.

Conditions:
Cardiovascular phenotype. Identifiers: MedGen CN230736.

Allele frequency attached by ClinVar (database versions not stated): TOPMed below 0.00001; gnomAD exomes 0.00001.
gnomAD v4.1: 8 of 1,613,788 alleles (0.0005%); highest among the groups gnomAD compares: Non-Finnish European, 0.00059%; no homozygotes.

Submissions (3):

Labcorp Genetics (formerly Invitae), Labcorp
Classification: Uncertain significance. Last evaluated: 2024-10-30. Review status: criteria provided, single submitter. Criteria: Invitae Variant Classification Sherloc (09022015). Collection method: clinical testing. Allele origin: germline.
Comment: This sequence change replaces glutamic acid, which is acidic and polar, with valine, which is neutral and non-polar, at codon 454 of the ALPK3 protein (p.Glu454Val). This variant is present in population databases (rs753047190, gnomAD 0.003%). This variant has not been reported in the literature in individuals affected with ALPK3-related conditions. ClinVar contains an entry for this variant (Variation ID: 2625910). Invitae Evidence Modeling of protein sequence and biophysical properties (such as structural, functional, and spatial information, amino acid conservation, physicochemical variation, residue mobility, and thermodynamic stability) indicates that this missense variant is not expected to disrupt ALPK3 protein function with a negative predictive value of 80%. In summary, the available evidence is currently insufficient to determine the role of this variant in disease. Therefore, it has been classified as a Variant of Uncertain Significance.

GeneDx
Classification: Uncertain significance. Last evaluated: 2024-04-12. Review status: criteria provided, single submitter. Criteria: GeneDx Variant Classification Process June 2021. Collection method: clinical testing. Allele origin: germline. Affected: yes.
Comment: In silico analysis supports that this missense variant has a deleterious effect on protein structure/function; Has not been previously published as pathogenic or benign to our knowledge

Ambry Genetics
Classification: Uncertain significance for Cardiovascular phenotype. Last evaluated: 2023-06-29. Review status: criteria provided, single submitter. Criteria: Ambry Variant Classification Scheme 2023. Collection method: clinical testing. Allele origin: germline.
Comment: The p.E454V variant (also known as c.1361A>T), located in coding exon 5 of the ALPK3 gene, results from an A to T substitution at nucleotide position 1361. The glutamic acid at codon 454 is replaced by valine, an amino acid with dissimilar properties. This amino acid position is conserved. In addition, this alteration is predicted to be tolerated by in silico analysis. Since supporting evidence is limited at this time, the clinical significance of this alteration remains unclear.

NM_020778.5(ALPK3):c.755A>T (p.Glu252Val)

Gene: ALPK3 (alpha kinase 3; plus strand). Cytogenetic location: 15q25.3.
Variant type: single nucleotide variant.
Coding change: c.755A>T on transcript NM_020778.5 (MANE Select); coding-DNA position 755, A replaced by T.
Protein change: p.Glu252Val; replaces glutamic acid 252 with valine.
Molecular consequence: missense variant.
Genome position (GRCh38, 1-based): chr15:84,840,034, A>T. VCF-style: chr15-84840034-A-T. GRCh37 (hg19) VCF-style: chr15-85383265-A-T.
Other names: short protein forms E252V.
Identifiers: ClinVar variation 2625910 (VCV002625910.6), dbSNP rs753047190, ClinGen allele CA7709064.